The following is an entry in ClinVar:

ClinVar aggregate classification (germline): Uncertain significance (1 of 4 stars; one submission).

Conditions:
Malignant hyperthermia, susceptibility to, 5 (MHS5). Also called: CACNA1S-Related Malignant Hyperthermia Susceptibility. Identifiers: Orphanet 423, MedGen C1866077, MONDO:0011163, OMIM 601887.
Hypokalemic periodic paralysis, type 1. Also called: HypoPP; Hypokalemic Periodic Paralysis Type 1 (AD). Identifiers: Orphanet 681, MedGen C3714580, MONDO:0042979, OMIM 170400.

Allele frequency attached by ClinVar (database versions not stated): TOPMed below 0.00001; gnomAD 0.00001.
gnomAD v4.1: 1 of 1,612,468 alleles (0.000062%); highest among the groups gnomAD compares: Non-Finnish European, 0.000085%; no homozygotes.

Submission:

Labcorp Genetics (formerly Invitae), Labcorp
Classification: Uncertain significance for Hypokalemic periodic paralysis, type 1; Malignant hyperthermia, susceptibility to, 5. Last evaluated: 2021-06-17. Review status: criteria provided, single submitter. Criteria: Invitae Variant Classification Sherloc (09022015). Collection method: clinical testing. Allele origin: germline.
Comment: In summary, the available evidence is currently insufficient to determine the role of this variant in disease. Therefore, it has been classified as a Variant of Uncertain Significance. Advanced modeling of protein sequence and biophysical properties (such as structural, functional, and spatial information, amino acid conservation, physicochemical variation, residue mobility, and thermodynamic stability) performed at Invitae indicates that this missense variant is not expected to disrupt CACNA1S protein function. This variant has not been reported in the literature in individuals with CACNA1S-related conditions. This variant is not present in population databases (ExAC no frequency). This sequence change replaces isoleucine with valine at codon 1597 of the CACNA1S protein (p.Ile1597Val). The isoleucine residue is moderately conserved and there is a small physicochemical difference between isoleucine and valine.

NM_000069.3(CACNA1S):c.4789A>G (p.Ile1597Val)

Gene: CACNA1S (calcium voltage-gated channel subunit alpha1 S; minus strand). Cytogenetic location: 1q32.1.
Variant type: single nucleotide variant.
Coding change: c.4789A>G on transcript NM_000069.3 (MANE Select); coding-DNA position 4789, A replaced by G.
Protein change: p.Ile1597Val; replaces isoleucine 1597 with valine.
Molecular consequence: missense variant.
Genome position (GRCh38, 1-based): chr1:201,044,336, T>C on the plus strand (A>G on the coding strand, the complement: CACNA1S is on the minus strand). VCF-style: chr1-201044336-T-C. GRCh37 (hg19) VCF-style: chr1-201013464-T-C.
Other names: short protein forms I1597V.
Identifiers: ClinVar variation 1380525 (VCV001380525.8), dbSNP rs1660397861, ClinGen allele CA344138845.